The following is an entry in ClinVar:

NM_178554.6(KY):c.1773C>T (p.Ala591=)

Genes: CEP63 (centrosomal protein 63; plus strand), KY (kyphoscoliosis peptidase; minus strand). Cytogenetic location: 3q22.2.
Variant type: single nucleotide variant.
Coding change: c.1773C>T on transcript NM_178554.6 (MANE Select); coding-DNA position 1773, C replaced by T.
Protein change: p.Ala591=; no amino-acid change (alanine 591 retained).
Molecular consequence: synonymous variant.
Genome position (GRCh38, 1-based): chr3:134,603,792, G>A on the plus strand (C>T on the coding strand, the complement: KY is on the minus strand). VCF-style: chr3-134603792-G-A. GRCh37 (hg19) VCF-style: chr3-134322634-G-A.
Other names: c.1725C>T, p.Ala575= (NM_001350859.2); c.1710C>T, p.Ala570= (NM_001366276.1).
Identifiers: ClinVar variation 3044565 (VCV003044565.2), dbSNP rs1275322585, ClinGen allele CA436091391.

ClinVar aggregate classification (germline): Likely benign (0 of 4 stars; one submission).

Conditions:
KY-related disorder. Also called: KY-related condition.

Allele frequency attached by ClinVar (database versions not stated): gnomAD exomes below 0.00001; TOPMed below 0.00001; gnomAD 0.00001.
gnomAD v4.1: 7 of 1,613,286 alleles (0.00043%); highest among the groups gnomAD compares: South Asian, 0.0044%; no homozygotes.

Submission:

PreventionGenetics, part of Exact Sciences
Classification: Likely benign for KY-related condition. Last evaluated: 2019-05-31. Review status: no assertion criteria provided. Collection method: clinical testing. Allele origin: germline.
Comment: This variant is classified as likely benign based on ACMG/AMP sequence variant interpretation guidelines (Richards et al. 2015 PMID: 25741868, with internal and published modifications).